The following is an entry in ClinVar:

ClinVar aggregate classification (germline): Pathogenic (1 of 4 stars; one submission).

Submission:

Labcorp Genetics (formerly Invitae), Labcorp
Classification: Pathogenic. Last evaluated: 2021-12-01. Review status: criteria provided, single submitter. Criteria: Invitae Variant Classification Sherloc (09022015). Collection method: clinical testing. Allele origin: germline.
Comment: This variant is a gross deletion of the genomic region encompassing exon(s) 10-11 of the GLE1 gene. This deletion is out-of-frame, and is expected to create a premature termination codon and result in an absent or disrupted protein product. Loss-of-function variants in GLE1 are known to be pathogenic (PMID: 18204449, 24243016, 27684565). This variant has not been reported in the literature in individuals affected with GLE1-related conditions. For these reasons, this variant has been classified as Pathogenic.

Literature cited by the submitters: PubMed 18204449; PubMed 24243016; PubMed 27684565.

NC_000009.11:g.(?_131295782)_(131296240_?)del

Gene: GLE1 (GLE1 RNA export mediator; plus strand). Cytogenetic location: 9q34.11.
Variant type: Deletion.
Identifiers: ClinVar variation 1071969 (VCV001071969.4).